The following is an entry in ClinVar:

ClinVar aggregate classification (germline): Uncertain significance. Review status: criteria provided, multiple submitters, no conflicts (2 of 4 stars). 2 submissions from 2 submitters: Uncertain significance (2). Last evaluated 2026-04-20.

Conditions:
TTN-related disorder. Also called: TTN-related condition; TTN-related disease; TTN-related disorders.
Dilated cardiomyopathy 1G (CMD1G). Identifiers: Orphanet 154, MedGen C1858763, MONDO:0011400, OMIM 604145.
Autosomal recessive limb-girdle muscular dystrophy type 2J (LGMDR10). Also called: MUSCULAR DYSTROPHY, LIMB-GIRDLE, AUTOSOMAL RECESSIVE 10; Limb-girdle muscular dystrophy, type 2J. Identifiers: Orphanet 140922, MedGen C1837342, MONDO:0012127, OMIM 608807.

Allele frequency attached by ClinVar (database versions not stated): gnomAD exomes 0.00002; ExAC 0.00003; TOPMed 0.00004; gnomAD 0.00005 and 0.00006; ESP Exome Variant Server 0.00008.
gnomAD v4.1: 13 of 1,612,016 alleles (0.00081%); highest among the groups gnomAD compares: African/African-American, 0.017%; no homozygotes.

Submissions (2):

PreventionGenetics, part of Exact Sciences
Classification: Uncertain significance for TTN-related condition. Last evaluated: 2026-04-20. Review status: criteria provided, single submitter. Criteria: ACMG Guidelines, 2015. Collection method: clinical testing. Allele origin: germline.
Comment: The TTN c.59707G>C variant is predicted to result in the amino acid substitution p.Asp19903His. To our knowledge, this variant has not been reported in the literature. This variant is reported in 0.025% of alleles in individuals of African descent in gnomAD. At this time, the clinical significance of this variant is uncertain due to the absence of conclusive functional and genetic evidence.

Labcorp Genetics (formerly Invitae), Labcorp
Classification: Uncertain significance for Dilated cardiomyopathy 1G; Autosomal recessive limb-girdle muscular dystrophy type 2J. Last evaluated: 2017-11-21. Review status: criteria provided, single submitter. Criteria: Invitae Variant Classification Sherloc (09022015). Collection method: clinical testing. Allele origin: germline.

NM_001267550.2(TTN):c.59707G>C (p.Asp19903His)

Genes: TTN (titin; minus strand), TTN-AS1 (TTN antisense RNA 1; plus strand), LOC126806424 (CDK7 strongly-dependent group 2 enhancer GRCh37_chr2:179456337-179457536; plus strand). Cytogenetic location: 2q31.2.
Variant type: single nucleotide variant.
Coding change: c.59707G>C on transcript NM_001267550.2 (MANE Select); coding-DNA position 59707, G replaced by C.
Protein change: p.Asp19903His; replaces aspartic acid 19903 with histidine.
Molecular consequence: missense variant.
Genome position (GRCh38, 1-based): chr2:178,592,197, C>G on the plus strand (G>C on the coding strand, the complement: TTN is on the minus strand). VCF-style: chr2-178592197-C-G. GRCh37 (hg19) VCF-style: chr2-179456924-C-G.
Other names: c.54784G>C, p.Asp18262His (NM_001256850.1); c.32512G>C, p.Asp10838His (NM_003319.4); c.52003G>C, p.Asp17335His (NM_133378.4); c.32887G>C, p.Asp10963His (NM_133432.3); c.33088G>C, p.Asp11030His (NM_133437.4); short protein forms D19903H, D17335H, D18262H, D10963H, D11030H, D10838H.
Identifiers: ClinVar variation 535608 (VCV000535608.4), dbSNP rs374163882, ClinGen allele CA1992613.